The following is an entry in ClinVar:

ClinVar aggregate classification (germline): Likely benign (0 of 4 stars; one submission).

Conditions:
CNR1-related disorder. Also called: CNR1-related condition.

Allele frequency attached by ClinVar (database versions not stated): 1000 Genomes Project 30x 0.00047; 1000 Genomes Project 0.00060.
gnomAD v4.1: 60 of 1,613,854 alleles (0.0037%); highest among the groups gnomAD compares: Admixed American, 0.072%; no homozygotes.

Submission:

PreventionGenetics, part of Exact Sciences
Classification: Likely benign for CNR1-related condition. Last evaluated: 2019-12-04. Review status: no assertion criteria provided. Collection method: clinical testing. Allele origin: germline.
Comment: This variant is classified as likely benign based on ACMG/AMP sequence variant interpretation guidelines (Richards et al. 2015 PMID: 25741868, with internal and published modifications).

NM_016083.6(CNR1):c.915C>G (p.Ala305=)

Gene: CNR1 (cannabinoid receptor 1; minus strand). Cytogenetic location: 6q15.
Variant type: single nucleotide variant.
Coding change: c.915C>G on transcript NM_016083.6 (MANE Select); coding-DNA position 915, C replaced by G.
Protein change: p.Ala305=; no amino-acid change (alanine 305 retained).
Molecular consequence: synonymous variant.
Genome position (GRCh38, 1-based): chr6:88,144,360, G>C on the plus strand (C>G on the coding strand, the complement: CNR1 is on the minus strand). VCF-style: chr6-88144360-G-C. GRCh37 (hg19) VCF-style: chr6-88854079-G-C.
Other names: c.915C>G, p.Ala305= (NM_001160226.3, NM_001160258.3, NM_001160259.3 and 12 more transcripts); c.816C>G, p.Ala272= (NM_033181.4).
Identifiers: ClinVar variation 3034632 (VCV003034632.2), dbSNP rs201218508, ClinGen allele CA143227366.
Genomic context (GRCh38, chr6:88,144,360, plus strand): 5'-CCCATCCTCAGACGTGTGGATGATGATGCTCTTCTGGGTGCCACGCTGAATCATGCGGAC[G>C]GCGTGGCTGTGAGCCTTCCAGAGAATATACATGTACGCATACACGATGAACAGAAGCAGT-3'
Protein context (NP_057167.2, residues 295-315): MYILWKAHSH[Ala305=]VRMIQRGTQK